The following is an entry in ClinVar:

ClinVar aggregate classification (germline): Pathogenic (1 of 4 stars; one submission).

Conditions:
Autosomal recessive limb-girdle muscular dystrophy type 2A (LGMDR1). Also called: Limb-girdle muscular dystrophy, type 2A; Calpainopathy; Muscular dystrophy, limb-girdle, type 2A, Amish; LEYDEN-MOEBIUS MUSCULAR DYSTROPHY; MUSCULAR DYSTROPHY, PELVOFEMORAL. Identifiers: Orphanet 267, MedGen C1869123, MONDO:0009675, OMIM 253600. Disease mechanism: loss of function.

Submission:

Labcorp Genetics (formerly Invitae), Labcorp
Classification: Pathogenic for Autosomal recessive limb-girdle muscular dystrophy type 2A. Last evaluated: 2021-08-12. Review status: criteria provided, single submitter. Criteria: Invitae Variant Classification Sherloc (09022015). Collection method: clinical testing. Allele origin: germline.
Comment: This variant is a gross deletion of the genomic region encompassing exon(s) 10-24 of the CAPN3 gene, which includes the termination codon. This deletion extends beyond the assayed region for this gene and therefore may encompass additional genes. While this deletion is not anticipated to lead to nonsense mediated decay, it is expected to alter mRNA translation or result in a truncated protein product. This variant has not been reported in the literature in individuals affected with CAPN3-related conditions. The region of the CAPN3 gene that includes exon(s) 17 has been determined to be clinically significant (PMID: 15138196, 21624972, 24846670, 25987458, 29685414). Therefore, deletions that encompass that region are likely to be disease-causing. For these reasons, this variant has been classified as Pathogenic.

Literature cited by the submitters: PubMed 15138196; PubMed 21624972; PubMed 24846670; PubMed 25987458; PubMed 29685414.

NC_000015.9:g.(?_42691680)_(42703981_?)del

Gene: CAPN3 (calpain 3; plus strand). Cytogenetic location: 15q15.1.
Variant type: Deletion.
Identifiers: ClinVar variation 2422295 (VCV002422295.5).